The following is an entry in ClinVar:

NM_015102.5(NPHP4):c.2932del (p.Glu978fs)

Gene: NPHP4 (nephrocystin 4; minus strand). Cytogenetic location: 1p36.31.
Variant type: Deletion.
Coding change: c.2932del on transcript NM_015102.5 (MANE Select); coding-DNA position 2932, one base deleted (G; older notation c.2932delG).
Protein change: p.Glu978fs; shifts the reading frame from glutamic acid 978.
Molecular consequence: frameshift variant. On other transcripts: non-coding transcript variant (1).
Genome position (GRCh38, 1-based): chr1:5,874,986, C deleted on the plus strand (G on the coding strand, the reverse complement: NPHP4 is on the minus strand); the first of 2 consecutive C bases (chr1:5,874,986-5,874,987); deleting either gives the same sequence. VCF-style (leftmost placement, unchanged base first): chr1-5874985-TC-T. GRCh37 (hg19) VCF-style: chr1-5935045-TC-T.
Other names: c.1393del, p.Glu465fs (NM_001291593.2); c.1396del, p.Glu466fs (NM_001291594.2); short protein forms E465fs, E466fs, E978fs.
Identifiers: ClinVar variation 2632247 (VCV002632247.2), dbSNP rs2523146231, ClinGen allele CA2586966035.

ClinVar aggregate classification (germline): Pathogenic. Review status: criteria provided, multiple submitters, no conflicts (2 of 4 stars). 2 submissions from 2 submitters: Pathogenic (2). Last evaluated 2023-06-15.

Conditions:
NPHP4-related disorder. Also called: NPHP4-related condition; NPHP4-related disorders. Identifiers: MedGen CN239384.

Submissions (2):

PreventionGenetics, part of Exact Sciences
Classification: Pathogenic for NPHP4-related condition. Last evaluated: 2023-06-15. Review status: criteria provided, single submitter. Criteria: ACMG Guidelines, 2015. Collection method: clinical testing. Allele origin: germline.
Comment: The NPHP4 c.2932delG variant is predicted to result in a frameshift and premature protein termination (p.Glu978Serfs*28). This variant was reported, in the homozygous state, in an individual with isolated nephronophthisis (Table S4, Stokman et al. 2018. PubMed ID: 29974258). This variant has not been reported in a large population database, indicating this variant is rare. Frameshift variants in NPHP4 are expected to be pathogenic. This variant is interpreted as pathogenic.

Blueprint Genetics
Classification: Pathogenic for NPHP4-related disorders. Last evaluated: 2019-09-04. Review status: criteria provided, single submitter. Criteria: ACMG Guidelines, 2015. Collection method: clinical testing. Allele origin: germline. Affected: yes. Observed: 1 variant allele.